The following is an entry in ClinVar:

ClinVar aggregate classification (germline): Uncertain significance (1 of 4 stars; one submission).

Submission:

Labcorp Genetics (formerly Invitae), Labcorp
Classification: Uncertain significance. Last evaluated: 2024-12-10. Review status: criteria provided, single submitter. Criteria: Invitae Variant Classification Sherloc (09022015). Collection method: clinical testing. Allele origin: germline.
Comment: This sequence change replaces glycine, which is neutral and non-polar, with aspartic acid, which is acidic and polar, at codon 37 of the IRF2BPL protein (p.Gly37Asp). This variant is not present in population databases (gnomAD no frequency). This variant has not been reported in the literature in individuals affected with IRF2BPL-related conditions. Invitae Evidence Modeling of protein sequence and biophysical properties (such as structural, functional, and spatial information, amino acid conservation, physicochemical variation, residue mobility, and thermodynamic stability) indicates that this missense variant is not expected to disrupt IRF2BPL protein function with a negative predictive value of 80%. In summary, the available evidence is currently insufficient to determine the role of this variant in disease. Therefore, it has been classified as a Variant of Uncertain Significance.

NM_024496.4(IRF2BPL):c.110G>A (p.Gly37Asp)

Genes: IRF2BPL (interferon regulatory factor 2 binding protein like; minus strand), LOC107984638 (uncharacterized LOC107984638; plus strand). Cytogenetic location: 14q24.3.
Variant type: single nucleotide variant.
Coding change: c.110G>A on transcript NM_024496.4 (MANE Select); coding-DNA position 110, G replaced by A.
Protein change: p.Gly37Asp; replaces glycine 37 with aspartic acid.
Molecular consequence: missense variant. On other transcripts: non-coding transcript variant (3).
Genome position (GRCh38, 1-based): chr14:77,027,683, C>T on the plus strand (G>A on the coding strand, the complement: IRF2BPL is on the minus strand). VCF-style: chr14-77027683-C-T. GRCh37 (hg19) VCF-style: chr14-77494026-C-T.
Other names: short protein forms G37D.
Identifiers: ClinVar variation 3705440 (VCV003705440.2).
Genomic context (GRCh38, chr14:77,027,683, plus strand): 5'-AGCTGGCGCGCTGTCTCGATCACGAATTCGATGCGATCAGCGCCCTCGTAGTTGACGCAA[C>T]CGCGGCATACGGGTTCCGAGAAGTCCCAGATCATGGCCCAGGGCATGCGGGGCAGGTCGC-3'
Protein context (NP_078772.1, residues 27-47): IWDFSEPVCR[Gly37Asp]CVNYEGADRI